The following is an entry in ClinVar:

NM_006767.4(LZTR1):c.163C>G (p.Arg55Gly)

Gene: LZTR1 (leucine zipper like post translational regulator 1; plus strand). Cytogenetic location: 22q11.21.
Variant type: single nucleotide variant.
Coding change: c.163C>G on transcript NM_006767.4 (MANE Select); coding-DNA position 163, C replaced by G.
Protein change: p.Arg55Gly; replaces arginine 55 with glycine.
Molecular consequence: missense variant.
Genome position (GRCh38, 1-based): chr22:20,982,534, C>G. VCF-style: chr22-20982534-C-G. GRCh37 (hg19) VCF-style: chr22-21336823-C-G.
Other names: short protein forms R55G.
Identifiers: ClinVar variation 985816 (VCV000985816.4), dbSNP rs1924233130, ClinGen allele CA410778031.

ClinVar aggregate classification (germline): Uncertain significance (1 of 4 stars; one submission).

Conditions:
Hereditary cancer-predisposing syndrome. Also called: Hereditary Cancer Syndrome; Neoplastic Syndromes, Hereditary; Tumor predisposition; Hereditary neoplastic syndrome. Identifiers: Orphanet 140162, MedGen C0027672, MeSH D009386, MONDO:0015356.
Cardiovascular phenotype. Identifiers: MedGen CN230736.

gnomAD v4.1: 1 of 1,612,934 alleles (0.000062%); highest among the groups gnomAD compares: Non-Finnish European, 0.000085%; no homozygotes.

Submission:

Ambry Genetics
Classification: Uncertain significance for Cardiovascular phenotype; Hereditary cancer-predisposing syndrome. Last evaluated: 2021-02-24. Review status: criteria provided, single submitter. Criteria: Ambry Variant Classification Scheme 2023. Collection method: clinical testing. Allele origin: germline.
Comment: The c.163C>G (p.R55G) alteration is located in coding exon 1 of the LZTR1 gene. This alteration results from a C to G substitution at nucleotide position 163, causing the arginine (R) at amino acid position 55 to be replaced by a glycine (G). Based on data from the Genome Aggregation Database (gnomAD), the LZTR1 c.163C>G alteration was not observed, with coverage at this position. This amino acid position is highly conserved in available vertebrate species. The in silico prediction for the p.R55G alteration is inconclusive. Based on insufficient or conflicting evidence, the clinical significance of this alteration remains unclear.